The following continues an entry in ClinVar:

NM_000518.5(HBB):c.92+1G>A

ClinVar aggregate classification (germline): Pathogenic. Pathogenic (33).

Submissions 11 to 28 of 39:

Ambry Genetics
Classification: Pathogenic for Inborn genetic diseases. Last evaluated: 2024-11-22. Review status: criteria provided, single submitter. Criteria: Ambry Variant Classification Scheme 2023. Collection method: clinical testing. Allele origin: germline.
Comment: The c.92+1G>A intronic variant results from a G to A substitution one nucleotide after coding exon 1 of the HBB gene. Alterations that disrupt the canonical splice site are expected to cause aberrant splicing, resulting in an abnormal protein or a transcript that is subject to nonsense-mediated mRNA decay. Based on data from gnomAD, the A allele has an overall frequency of 0.01% (24/251366) total alleles studied. The highest observed frequency was 0.017% (6/34586) of Latino alleles. This variant has been identified in the homozygous state in individual(s) with beta-thalassemia (Oner, 1990; Carrocini, 2017; Jalilian, 2017) and is frequent in the Mediterranean population (Farra, 2021). Another variant impacting the same donor site (c.92+1G>T) has been identified in individual(s) with beta-zero thalassemia (Chan, 2010). This nucleotide position is highly conserved in available vertebrate species. In silico splice site analysis predicts that this alteration will weaken the native splice donor site and may result in the creation or strengthening of a novel splice donor site. Based on the available evidence, this alteration is classified as pathogenic.

Institute of Human Genetics, Heidelberg University
Classification: Pathogenic for Dominant beta-thalassemia; Beta-thalassemia HBB/LCRB. Last evaluated: 2024-10-11. Review status: criteria provided, single submitter. Criteria: ACMG Guidelines, 2015. Collection method: clinical testing. Allele origin: unknown. Affected: yes.

Blueprint Genetics
Classification: Pathogenic for HBB-related disorders. Last evaluated: 2024-09-03. Review status: criteria provided, single submitter. Criteria: ACMG Guidelines, 2015. Collection method: clinical testing. Allele origin: germline. Affected: yes. Observed: 5 variant alleles.

Clinical Genomics Laboratory, Washington University in St. Louis
Classification: Pathogenic for Dominant beta-thalassemia. Last evaluated: 2024-06-26. Review status: criteria provided, single submitter. Criteria: ACMG Guidelines, 2015. Collection method: clinical testing. Allele origin: germline. Affected: yes.
Comment: The HBB c.92+1G>A, also published as IVS-I-1 G->A, variant has been reported in more than twelve individuals affected with b-thalassemia major and b-thalassemia minor (Carrocini GCS et al., PMID: 28366028; Faustino P et al., PMID: 1634236; Jalilian M et al., PMID: 28391758; Shalitin S et al., PMID: 15654898). Of those individuals, four were compound heterozygous for the variant and a pathogenic or likely pathogenic confirmed in trans and eight individuals were homozygous for the variant (Carrocini GCS et al., PMID: 28366028; Faustino, P. et al., PMID: 1634236; Jalilian M et al., PMID: 28391758; Shalitin S et al., PMID: 15654898). This variant has been reported in the ClinVar database as a pathogenic variant by 27 submitters. This variant is only observed on 24 out of 251,366 alleles in the general population (gnomAD v.2.1.1), indicating it is not a common variant. This variant occurs within the canonical splice donor site, which is predicted to cause skipping of the exon, leading to an out of frame transcript. Functional studies show that this variant abolishes correct mRNA splicing, indicating that this variant impacts protein function (Orkin SH et al., PMID: 6190800; Treisman R et al., PMID: 6188062). Another two variants in the same splicing motif, c.92+1G>T and c.92+1G>C, have been reported pathogenic (Variation IDs: 15437 and 869246). Based on available information and the ACMG/AMP guidelines for variant interpretation (Richards S et al., PMID: 25741868), this variant is classified as pathogenic.

Fulgent Genetics
Classification: Pathogenic for Heinz body anemia; Hereditary persistence of fetal hemoglobin; Dominant beta-thalassemia; Hb SS disease; Malaria, susceptibility to; Beta-thalassemia HBB/LCRB; METHEMOGLOBINEMIA, BETA TYPE; Erythrocytosis, familial, 6. Last evaluated: 2024-05-22. Review status: criteria provided, single submitter. Criteria: ACMG Guidelines, 2015. Collection method: clinical testing. Allele origin: germline.

Laboratory of Medical Genetics, National & Kapodistrian University of Athens
Classification: Pathogenic for Beta-thalassemia HBB/LCRB. Last evaluated: 2024-02-01. Review status: criteria provided, single submitter. Criteria: ACMG Guidelines, 2015. Collection method: curation. Allele origin: germline. Affected: no.

Revvity Omics, Revvity
Classification: Pathogenic. Last evaluated: 2023-12-21. Review status: criteria provided, single submitter. Criteria: ACMG Guidelines, 2015. Collection method: clinical testing. Allele origin: germline.

Institute of Human Genetics, University of Leipzig Medical Center
Classification: Pathogenic for Beta-thalassemia HBB/LCRB. Last evaluated: 2023-09-19. Review status: criteria provided, single submitter. Criteria: ACMG Guidelines, 2015. Collection method: clinical testing. Allele origin: unknown. Inheritance: Autosomal dominant inheritance. Affected: yes.
Comment: Criteria applied: PVS1,PM3_STR

Department of Human Genetics, Hannover Medical School
Classification: Pathogenic for Beta-thalassemia HBB/LCRB. Last evaluated: 2023-09-18. Review status: criteria provided, single submitter. Criteria: ACMG Guidelines, 2015. Collection method: clinical testing. Allele origin: germline. Inheritance: Autosomal recessive inheritance. Affected: yes.

Genetics and Molecular Pathology, SA Pathology
Classification: Pathogenic for Beta-thalassemia HBB/LCRB. Last evaluated: 2023-06-05. Review status: criteria provided, single submitter. Criteria: ACMG Guidelines, 2015. Collection method: clinical testing. Allele origin: germline. Inheritance: Autosomal recessive inheritance. Affected: yes.
Comment: The HBB c.92+1G>A variant is classified as Pathogenic (PVS1, PS4_Moderate, PP4) The HBB c.92+1G>A variant is located in a splice donor region. Computational predictions support a deleterious effect on splicing and a likely disruption of the protein reading frame and non-sense mediated decay of the resulting protein product (PVS1). One publication reports experimental evidence demonstrating that this variant abolishes correct mRNA splicing (PMID: 6188062). The variant has been reported in multiple cases with a clinical presentation of beta-thalassaemia, and homozygotes tend to be transfusion-dependent (PMID:27453201, 8602996, 2200760) (PS4_Moderate). The variant is rare in population databases (gnomAD allele frequency = 0.0052%; 8 het and 0 hom in 152224 sequenced alleles; highest frequency = 0.013%, Latino population) (PM2_Supp). The variant has been reported in dbSNP (rs33971440) and in the HGMD database: CS991412. It has been reported as Pathogenic by other diagnostic laboratories (ClinVar Variation ID: 15436). he clinical features of this case are highly specific for the HBB, the family history is consistent with the mode of inheritance of this condition and this patient has a well-defined syndrome with little overlap with other clinical presentations (PP4).

Laboratory for Molecular Medicine, Mass General Brigham Personalized Medicine
Classification: Pathogenic for beta Thalassemia. Last evaluated: 2022-11-03. Review status: criteria provided, single submitter. Criteria: ACMG Guidelines, 2015. Collection method: clinical testing. Allele origin: germline.
Comment: The c.92+1G>A variant in HBB (also known as IVS-I-1 G->A) has been reported in numerous individuals with beta thalassemia (selected references Faustino 1992 PMID: 1634236, Orkin 1982 PMID: 6280057, Jalilian 2017 PMID: 28391758, Aldemir 2014 PMID: 25155404). It has been reported in CLinVar (Variation ID 15436) and has been identified in 2/15288 Latino chromosomes by gnomAD. This variant occurs within the canonical splice site (+/- 1,2) and is predicted to cause altered splicing leading to an abnormal or absent protein. Loss of function of the HBB gene is an established disease mechanism in autosomal recessive beta thalassemia. In summary, this variant meets criteria to be classified as pathogenic for autosomal recessive beta thalassemia. ACMG/AMP Criteria applied: PM2_Supporting, PVS1, PM3_Very Strong.

GeneDx
Classification: Pathogenic. Last evaluated: 2022-06-30. Review status: criteria provided, single submitter. Criteria: GeneDx Variant Classification Process June 2021. Collection method: clinical testing. Allele origin: germline. Affected: yes.
Comment: Canonical splice site variant in a gene for which loss-of-function is a known mechanism of disease; Also described as IVS-I-1 (G> A) due to alternate nomenclature; This variant is associated with the following publications: (PMID: 25525159, 22975760, 2200760, 25087612, 23348723, 24777453, 21228398, 8602996, 6280057, 30843739, 1634236, 1390250, 28366028, 28391758, 27199182, 31718331, 34426522, 31589614, 9586437, 31890591, 9163586, 2577233)

MGZ Medical Genetics Center
Classification: Pathogenic for Beta-thalassemia HBB/LCRB. Last evaluated: 2022-05-23. Review status: criteria provided, single submitter. Criteria: ACMG Guidelines, 2015. Collection method: clinical testing. Allele origin: germline. Affected: yes. Observed: 2 variant alleles.
Comment: ACMG criteria applied: PVS1, PS4_MOD, PM2_SUP

Department of Pathology and Laboratory Medicine, Sinai Health System
Classification: Pathogenic for erythrocytosis, familial, 6. Last evaluated: 2022-03-24. Review status: criteria provided, single submitter. Criteria: ACMG Guidelines, 2015. Collection method: research. Allele origin: germline.

AiLife Diagnostics
Classification: Pathogenic. Last evaluated: 2022-03-23. Review status: criteria provided, single submitter. Criteria: ACMG Guidelines, 2015. Collection method: clinical testing. Allele origin: germline. Affected: yes. Observed: 1 variant allele.

Mayo Clinic Laboratories, Mayo Clinic
Classification: Pathogenic. Last evaluated: 2022-02-01. Review status: criteria provided, single submitter. Criteria: ACMG Guidelines, 2015. Collection method: clinical testing. Allele origin: germline. Observed: 3 variant alleles.

Myriad Genetics, Inc.
Classification: Pathogenic for Beta-thalassemia HBB/LCRB. Last evaluated: 2019-12-20. Review status: criteria provided, single submitter. Criteria: Myriad Women's Health Autosomal Recessive and X-Linked Classification Criteria (2019). Collection method: clinical testing. Allele origin: unknown.
Comment: NM_000518.4(HBB):c.92+1G>A(aka IVS-I-1) is classified as pathogenic in the context of Hb beta chain-related hemoglobinopathy; it is associated with beta thalassemia and is classified as a beta-zero variant. Sources cited for classification include the following: PMID 1390250, 1634236 and 6188062. Classification of NM_000518.4(HBB):c.92+1G>A(aka IVS-I-1) is based on the following criteria: The variant is located at a canonical splice site, is expected to disrupt gene function and is reported in individuals with the relevant phenotype. Please note: this variant was assessed in the context of healthy population screening.

Baylor Genetics
Classification: Pathogenic for Hereditary persistence of fetal hemoglobin. Last evaluated: 2019-07-05. Review status: criteria provided, single submitter. Criteria: ACMG Guidelines, 2015. Collection method: clinical testing. Allele origin: unknown. Affected: yes.
Comment: This variant was determined to be pathogenic according to ACMG Guidelines, 2015 [PMID:25741868].